The following is an entry in ClinVar:

ClinVar aggregate classification (germline): Uncertain significance (1 of 4 stars; one submission).

Allele frequency attached by ClinVar (database versions not stated): gnomAD exomes below 0.00001.
gnomAD v4.1: 1 of 1,546,856 alleles (0.000065%); highest among the groups gnomAD compares: Non-Finnish European, 0.000087%; no homozygotes.

Submission:

Labcorp Genetics (formerly Invitae), Labcorp
Classification: Uncertain significance. Last evaluated: 2022-04-08. Review status: criteria provided, single submitter. Criteria: Invitae Variant Classification Sherloc (09022015). Collection method: clinical testing. Allele origin: germline.
Comment: In summary, the available evidence is currently insufficient to determine the role of this variant in disease. Therefore, it has been classified as a Variant of Uncertain Significance. Advanced modeling of protein sequence and biophysical properties (such as structural, functional, and spatial information, amino acid conservation, physicochemical variation, residue mobility, and thermodynamic stability) performed at Invitae indicates that this missense variant is not expected to disrupt FH protein function. This variant has not been reported in the literature in individuals affected with FH-related conditions. This variant is not present in population databases (gnomAD no frequency). This sequence change replaces arginine, which is basic and polar, with glutamine, which is neutral and polar, at codon 6 of the FH protein (p.Arg6Gln).

NM_000143.4(FH):c.17G>A (p.Arg6Gln)

Gene: FH (fumarate hydratase; minus strand). Cytogenetic location: 1q43.
Variant type: single nucleotide variant.
Coding change: c.17G>A on transcript NM_000143.4 (MANE Select); coding-DNA position 17, G replaced by A.
Protein change: p.Arg6Gln; replaces arginine 6 with glutamine.
Molecular consequence: missense variant.
Genome position (GRCh38, 1-based): chr1:241,519,706, C>T on the plus strand (G>A on the coding strand, the complement: FH is on the minus strand). VCF-style: chr1-241519706-C-T. GRCh37 (hg19) VCF-style: chr1-241683006-C-T.
Other names: short protein forms R6Q.
Identifiers: ClinVar variation 2123063 (VCV002123063.4), dbSNP rs2527345698, ClinGen allele CA345443080.